The following is an entry in ClinVar:

NM_000038.6(APC):c.3190G>A (p.Glu1064Lys)

Gene: APC (APC regulator of Wnt signaling pathway; plus strand). Cytogenetic location: 5q22.2.
Variant type: single nucleotide variant.
Coding change: c.3190G>A on transcript NM_000038.6 (MANE Select); coding-DNA position 3190, G replaced by A.
Protein change: p.Glu1064Lys; replaces glutamic acid 1064 with lysine.
Molecular consequence: missense variant.
Genome position (GRCh38, 1-based): chr5:112,838,784, G>A. VCF-style: chr5-112838784-G-A. GRCh37 (hg19) VCF-style: chr5-112174481-G-A.
Other names: c.3190G>A, p.Glu1064Lys (NM_001127510.3, NM_001354895.2); c.3136G>A, p.Glu1046Lys (NM_001127511.3); c.3244G>A, p.Glu1082Lys (NM_001354896.2); c.3220G>A, p.Glu1074Lys (NM_001354897.2); c.3115G>A, p.Glu1039Lys (NM_001354898.2); c.3106G>A, p.Glu1036Lys (NM_001354899.2); c.3067G>A, p.Glu1023Lys (NM_001354900.2); c.3013G>A, p.Glu1005Lys (NM_001354901.2); and 5 more; short protein forms E1023K, E1046K, E904K, E938K, E973K, E1064K, E1074K, E781K.
Identifiers: ClinVar variation 936736 (VCV000936736.11), dbSNP rs1462312032, ClinGen allele CA16028328.

ClinVar aggregate classification (germline): Uncertain significance (1 of 4 stars; one submission).

Conditions:
Familial adenomatous polyposis 1 (FAP1). Also called: POLYPOSIS, ADENOMATOUS INTESTINAL; FAMILIAL ADENOMATOUS POLYPOSIS 1, ATTENUATED. Identifiers: MedGen C2713442, MONDO:0021056, OMIM 175100. Disease mechanism: loss of function.

Submission:

Labcorp Genetics (formerly Invitae), Labcorp
Classification: Uncertain significance for Familial adenomatous polyposis 1. Last evaluated: 2021-07-14. Review status: criteria provided, single submitter. Criteria: Invitae Variant Classification Sherloc (09022015). Collection method: clinical testing. Allele origin: germline.
Comment: This variant is not present in population databases (ExAC no frequency). This sequence change replaces glutamic acid with lysine at codon 1064 of the APC protein (p.Glu1064Lys). The glutamic acid residue is highly conserved and there is a small physicochemical difference between glutamic acid and lysine. This variant has not been reported in the literature in individuals with APC-related conditions. Algorithms developed to predict the effect of missense changes on protein structure and function (SIFT, PolyPhen-2, Align-GVGD) all suggest that this variant is likely to be tolerated, but these predictions have not been confirmed by published functional studies and their clinical significance is uncertain. In summary, the available evidence is currently insufficient to determine the role of this variant in disease. Therefore, it has been classified as a Variant of Uncertain Significance.